The following is an entry in ClinVar:

ClinVar aggregate classification (germline): Likely benign (1 of 4 stars; one submission).

gnomAD v4.1: 262 of 1,606,946 alleles (0.016%); highest among the groups gnomAD compares: South Asian, 0.21%; 6 homozygotes.

Submission:

CeGaT Center for Human Genetics Tuebingen
Classification: Likely benign. Last evaluated: 2025-04-01. Review status: criteria provided, single submitter. Criteria: CeGaT Center For Human Genetics Tuebingen Variant Classification Criteria Version 2. Collection method: clinical testing. Allele origin: germline. Affected: yes. Observed: 2 variant alleles.
Comment: ZFHX3: BP4, BP7

NM_006885.4(ZFHX3):c.375C>T (p.Asp125=)

Gene: ZFHX3 (zinc finger homeobox 3; minus strand). Cytogenetic location: 16q22.3.
Variant type: single nucleotide variant.
Coding change: c.375C>T on transcript NM_006885.4 (MANE Select); coding-DNA position 375, C replaced by T.
Protein change: p.Asp125=; no amino-acid change (aspartic acid 125 retained).
Molecular consequence: synonymous variant. On other transcripts: intron variant (1).
Genome position (GRCh38, 1-based): chr16:72,959,771, G>A on the plus strand (C>T on the coding strand, the complement: ZFHX3 is on the minus strand). VCF-style: chr16-72959771-G-A. GRCh37 (hg19) VCF-style: chr16-72993670-G-A.
Other names: c.375C>T, p.Asp125= (NM_001386735.1); c.-23-8806C>T (NM_001164766.2).
Identifiers: ClinVar variation 3770734 (VCV003770734.13).
Genomic context (GRCh38, chr16:72,959,771, plus strand): 5'-CTCCACAATGTACGCGGAGCCGTCCGGCTGGTAGACGATCTCCCCGGCCAGGTTCTCCAC[G>A]TCACTCTCCTCGTCCCCCTCCTCACCGGTGTCGCTGGCGCTCTCCTCTCTCAGGGGTGGC-3'
Protein context (NP_008816.3, residues 115-135): DTGEEGDEES[Asp125=]VENLAGEIVY